The following is an entry in ClinVar:

ClinVar aggregate classification (germline): Uncertain significance (1 of 4 stars; one submission).

Conditions:
Oligodontia-cancer predisposition syndrome. Also called: TOOTH AGENESIS-COLORECTAL CANCER SYNDROME. Identifiers: Orphanet 300576, MedGen C1837750, MONDO:0012075, OMIM 608615. Disease mechanism: loss of function.

gnomAD v4.1: 1 of 1,614,238 alleles (0.000062%); highest among the groups gnomAD compares: South Asian, 0.0011%; no homozygotes.

Submission:

Labcorp Genetics (formerly Invitae), Labcorp
Classification: Uncertain significance for Oligodontia-cancer predisposition syndrome. Last evaluated: 2017-11-27. Review status: criteria provided, single submitter. Criteria: Invitae Variant Classification Sherloc (09022015). Collection method: clinical testing. Allele origin: germline.
Comment: Algorithms developed to predict the effect of missense changes on protein structure and function do not agree on the potential impact of this missense change (SIFT: "Tolerated"; PolyPhen-2: "Probably Damaging"; Align-GVGD: "Class C15"). In summary, the available evidence is currently insufficient to determine the role of this variant in disease. Therefore, it has been classified as a Variant of Uncertain Significance. This variant has not been reported in the literature in individuals with AXIN2-related disease. This variant is present in population databases (rs776281840, ExAC 0.006%). This sequence change replaces lysine with asparagine at codon 751 of the AXIN2 protein (p.Lys751Asn). The lysine residue is highly conserved and there is a moderate physicochemical difference between lysine and asparagine.

NM_004655.4(AXIN2):c.2253G>C (p.Lys751Asn)

Gene: AXIN2 (axin 2; minus strand). Cytogenetic location: 17q24.1.
Variant type: single nucleotide variant.
Coding change: c.2253G>C on transcript NM_004655.4 (MANE Select); coding-DNA position 2253, G replaced by C.
Protein change: p.Lys751Asn; replaces lysine 751 with asparagine.
Molecular consequence: missense variant.
Genome position (GRCh38, 1-based): chr17:65,534,064, C>G on the plus strand (G>C on the coding strand, the complement: AXIN2 is on the minus strand). VCF-style: chr17-65534064-C-G. GRCh37 (hg19) VCF-style: chr17-63530182-C-G.
Other names: c.2058G>C, p.Lys686Asn (NM_001363813.1); c.2253G>C (LRG_296t1); short protein forms K751N, K686N.
Identifiers: ClinVar variation 533221 (VCV000533221.8), dbSNP rs776281840, ClinGen allele CA8718337.